The following is an entry in ClinVar:

ClinVar aggregate classification (germline): Uncertain significance (1 of 4 stars; one submission).

Conditions:
Primary dilated cardiomyopathy (DCM). Also called: Dilated Cardiomyopathy. Identifiers: Orphanet 217604, MedGen C0007193, MeSH D002311, MONDO:0005021, HP:0001644. Inheritance: Various modes of inheritance.

Allele frequency attached by ClinVar (database versions not stated): gnomAD 0.00001; ESP Exome Variant Server 0.00008; TOPMed 0.00004; gnomAD exomes 0.00001.

Submission:

Cardiovascular Biomedical Research Unit, Royal Brompton & Harefield NHS Foundation Trust
Classification: Uncertain significance for Primary dilated cardiomyopathy. Last evaluated: 2014-10-08. Review status: criteria provided, single submitter. Criteria: Roberts et al. 2015. Collection method: research. Allele origin: germline. Inheritance: Autosomal dominant inheritance. Affected: no. Observed: 1 variant allele. Study: FHS cohort.
Comment: It affects only the Novex-3 isoform, which does not span the sarcomere and has not been implicated in DCM. In the seven cohorts assessed, TTNtv were found in 14% of ambulant DCM, 22% end-stage or familial DCM, and 2% controls. Heterozygous nonsense, frameshift and canonical splice-disrupting variants found in constitutive and other highly utilised exons are highly likely to be pathogenic when identified in individuals with phenotypically confirmed DCM. TTNtv found incidentally in healthy individuals (excluding familial assessment of DCM relatives) are thought to have low penetrance, particularly when identified in exons that are not constitutively expressed in the heart.

NM_133379.5(TTN):c.15305del (p.Thr5102fs)

Gene: TTN (titin; minus strand). Cytogenetic location: 2q31.2.
Variant type: Deletion.
Coding change: c.15305del on transcript NM_133379.5; coding-DNA position 15305, one base deleted (C; older notation c.15305delC).
Protein change: p.Thr5102fs; shifts the reading frame from threonine 5102.
Molecular consequence: frameshift variant. On other transcripts: intron variant (6).
Genome position (GRCh38, 1-based): chr2:178,747,095, G deleted on the plus strand (C on the coding strand, the reverse complement: TTN is on the minus strand). VCF-style (leftmost placement, unchanged base first): chr2-178747094-AG-A. GRCh37 (hg19) VCF-style: chr2-179611821-AG-A.
Other names: c.15305del (LRG_391t2); c.10223-5174del (NM_003319.4); c.10799-5174del (NM_133437.4); c.10598-5174del (NM_133432.3); c.10360+6029del (NM_133378.4); c.10361-5174del (NM_001256850.1); c.11312-5174del (NM_001267550.2); short protein forms T5102fs.
Identifiers: ClinVar variation 223265 (VCV000223265.1), dbSNP rs869312097, ClinGen allele CA353295.